The following is an entry in ClinVar:

NM_173628.4(DNAH17):c.725A>G (p.His242Arg)

Gene: DNAH17 (dynein axonemal heavy chain 17; minus strand). Cytogenetic location: 17q25.3.
Variant type: single nucleotide variant.
Coding change: c.725A>G on transcript NM_173628.4 (MANE Select); coding-DNA position 725, A replaced by G.
Protein change: p.His242Arg; replaces histidine 242 with arginine.
Molecular consequence: missense variant.
Genome position (GRCh38, 1-based): chr17:78,571,597, T>C on the plus strand (A>G on the coding strand, the complement: DNAH17 is on the minus strand). VCF-style: chr17-78571597-T-C. GRCh37 (hg19) VCF-style: chr17-76567679-T-C.
Other names: short protein forms H242R.
Identifiers: ClinVar variation 2206832 (VCV002206832.5), dbSNP rs114107907, ClinGen allele CA8805531.

ClinVar aggregate classification (germline): Uncertain significance. Review status: criteria provided, single submitter (1 of 4 stars). 2 submissions from 2 submitters: Uncertain significance (1). 1 of the submissions does not count toward it. Last evaluated 2024-09-05.

Conditions:
Inborn genetic diseases. Identifiers: MedGen C0950123, MeSH D030342.
DNAH17-related disorder. Also called: DNAH17-related condition.

Allele frequency attached by ClinVar (database versions not stated): gnomAD exomes 0.00010; ExAC 0.00022; ESP Exome Variant Server 0.00064; gnomAD 0.00085; TOPMed 0.00094; 1000 Genomes Project 0.00140; 1000 Genomes Project 30x 0.00156.
gnomAD v4.1: 280 of 1,613,892 alleles (0.017%); highest among the groups gnomAD compares: African/African-American, 0.31%; no homozygotes.

Submissions (2):

Ambry Genetics
Classification: Uncertain significance for Inborn genetic diseases. Last evaluated: 2024-09-05. Review status: criteria provided, single submitter. Criteria: Ambry Variant Classification Scheme 2023. Collection method: clinical testing. Allele origin: germline.

PreventionGenetics, part of Exact Sciences
Classification: Likely benign for DNAH17-related condition. Last evaluated: 2022-10-06. Review status: no assertion criteria provided. Collection method: clinical testing. Allele origin: germline. Not counted in ClinVar's aggregate classification.
Comment: This variant is classified as likely benign based on ACMG/AMP sequence variant interpretation guidelines (Richards et al. 2015 PMID: 25741868, with internal and published modifications).